The following is an entry in ClinVar:

NM_001083614.2(EARS2):c.610G>A (p.Gly204Ser)

Gene: EARS2 (glutamyl-tRNA synthetase 2, mitochondrial; minus strand). Cytogenetic location: 16p12.2.
Variant type: single nucleotide variant.
Coding change: c.610G>A on transcript NM_001083614.2 (MANE Select); coding-DNA position 610, G replaced by A.
Protein change: p.Gly204Ser; replaces glycine 204 with serine.
Molecular consequence: missense variant. On other transcripts: non-coding transcript variant (1).
Genome position (GRCh38, 1-based): chr16:23,535,236, C>T on the plus strand (G>A on the coding strand, the complement: EARS2 is on the minus strand). VCF-style: chr16-23535236-C-T. GRCh37 (hg19) VCF-style: chr16-23546557-C-T.
Other names: c.610G>A, p.Gly204Ser (NM_001308211.1); short protein forms G204S.
Identifiers: ClinVar variation 39790 (VCV000039790.8), dbSNP rs397514592, ClinGen allele CA130560.

ClinVar aggregate classification (germline): Uncertain significance. Review status: criteria provided, multiple submitters, no conflicts (2 of 4 stars). 4 submissions from 4 submitters: Uncertain significance (3). 1 of the submissions does not count toward it. Last evaluated 2024-08-07.

Conditions:
Leukoencephalopathy-thalamus and brainstem anomalies-high lactate syndrome. Also called: LEUKOENCEPHALOPATHY WITH THALAMUS AND BRAINSTEM INVOLVEMENT AND HIGH LACTATE; Combined oxidative phosphorylation deficiency 12. Identifiers: Orphanet 314051, MedGen C4706421, MONDO:0013971, OMIM 614924.

Allele frequency attached by ClinVar (database versions not stated): ExAC 0.00001; gnomAD 0.00001; gnomAD exomes 0.00002; TOPMed 0.00002.
gnomAD v4.1: 40 of 1,613,244 alleles (0.0025%); highest among the groups gnomAD compares: Admixed American, 0.005%; no homozygotes.

Submissions (4):

Blueprint Genetics
Classification: Uncertain significance. Last evaluated: 2024-08-07. Review status: criteria provided, single submitter. Criteria: ACMG Guidelines, 2015. Collection method: clinical testing. Allele origin: germline.

Labcorp Genetics (formerly Invitae), Labcorp
Classification: Uncertain significance. Last evaluated: 2023-06-29. Review status: criteria provided, single submitter. Criteria: Invitae Variant Classification Sherloc (09022015). Collection method: clinical testing. Allele origin: germline.
Comment: This sequence change replaces glycine, which is neutral and non-polar, with serine, which is neutral and polar, at codon 204 of the EARS2 protein (p.Gly204Ser). In summary, the available evidence is currently insufficient to determine the role of this variant in disease. Therefore, it has been classified as a Variant of Uncertain Significance. Advanced modeling of protein sequence and biophysical properties (such as structural, functional, and spatial information, amino acid conservation, physicochemical variation, residue mobility, and thermodynamic stability) has been performed at Invitae for this missense variant, however the output from this modeling did not meet the statistical confidence thresholds required to predict the impact of this variant on EARS2 protein function. ClinVar contains an entry for this variant (Variation ID: 39790). This missense change has been observed in individual(s) with clinical features of EARS2-related conditions (PMID: 22492562). This variant is present in population databases (rs397514592, gnomAD 0.006%).

Women's Health and Genetics/Laboratory Corporation of America, LabCorp
Classification: Uncertain significance. Last evaluated: 2022-06-15. Review status: criteria provided, single submitter. Criteria: LabCorp Variant Classification Summary - May 2015. Collection method: clinical testing. Allele origin: germline.
Comment: Variant summary: EARS2 c.610G>A (p.Gly204Ser) results in a non-conservative amino acid change located in the Glutamyl/glutaminyl-tRNA synthetase, class Ib, catalytic domain (IPR020058) of the encoded protein sequence. Four of five in-silico tools predict a damaging effect of the variant on protein function. The variant allele was found at a frequency of 1.6e-05 in 248906 control chromosomes (gnomAD). The available data on variant occurrences in the general population are insufficient to allow any conclusion about variant significance. c.610G>A has been reported in the literature in at least one compound heterozygous individual affected with Leukoencephalopathy-Thalamus And Brainstem Anomalies-High Lactate Syndrome (Steenweg_2012). This data does not allow any conclusion about variant significance. To our knowledge, no experimental evidence demonstrating an impact on protein function has been reported. One ClinVar submitter has assessed the variant since 2014: the variant was classified as of uncertain significance. Based on the evidence outlined above, the variant was classified as uncertain significance.

OMIM
Classification: Pathogenic for COMBINED OXIDATIVE PHOSPHORYLATION DEFICIENCY 12. Last evaluated: 2012-05-01. Review status: no assertion criteria provided. Collection method: literature only. Allele origin: germline. Not counted in ClinVar's aggregate classification.

Literature cited by the submitters: PubMed 22492562 (cited by 3 submitters).